The following is an entry in ClinVar:

NM_000271.5(NPC1):c.410C>T (p.Thr137Met)

Gene: NPC1 (NPC intracellular cholesterol transporter 1; minus strand). Cytogenetic location: 18q11.2.
Variant type: single nucleotide variant.
Coding change: c.410C>T on transcript NM_000271.5 (MANE Select); coding-DNA position 410, C replaced by T.
Protein change: p.Thr137Met; replaces threonine 137 with methionine.
Molecular consequence: missense variant.
Genome position (GRCh38, 1-based): chr18:23,568,876, G>A on the plus strand (C>T on the coding strand, the complement: NPC1 is on the minus strand). VCF-style: chr18-23568876-G-A. GRCh37 (hg19) VCF-style: chr18-21148840-G-A.
Other names: short protein forms T137M.
Identifiers: ClinVar variation 449504 (VCV000449504.18), dbSNP rs372947142, ClinGen allele CA8913749.

ClinVar aggregate classification (germline): Conflicting classifications of pathogenicity. Review status: criteria provided, conflicting classifications (1 of 4 stars). 5 submissions from 5 submitters: Pathogenic (2); Likely pathogenic (2); Uncertain significance (1). Last evaluated 2025-05-13.

Conditions:
Niemann-Pick disease, type C (NPC). Identifiers: Orphanet 646, MedGen C0220756, MONDO:0018982.
Niemann-Pick disease, type C1. Also called: NEUROVISCERAL STORAGE DISEASE WITH VERTICAL SUPRANUCLEAR OPHTHALMOPLEGIA; NIEMANN-PICK DISEASE WITH CHOLESTEROL ESTERIFICATION BLOCK; NIEMANN-PICK DISEASE WITHOUT SPHINGOMYELINASE DEFICIENCY; NIEMANN-PICK DISEASE, CHRONIC NEURONOPATHIC FORM; NIEMANN-PICK DISEASE, VARIANT TYPE C1. Identifiers: Orphanet 646, MedGen C3179455, MONDO:0009757, OMIM 257220.

Allele frequency attached by ClinVar (database versions not stated): gnomAD 0.00001; gnomAD exomes 0.00001; TOPMed 0.00001; ExAC 0.00002; ESP Exome Variant Server 0.00008.
gnomAD v4.1: 23 of 1,613,880 alleles (0.0014%); highest among the groups gnomAD compares: Non-Finnish European, 0.0019%; no homozygotes.

Submissions (5):

Labcorp Genetics (formerly Invitae), Labcorp
Classification: Pathogenic for Niemann-Pick disease, type C1. Last evaluated: 2025-05-13. Review status: criteria provided, single submitter. Criteria: Invitae Variant Classification Sherloc (09022015). Collection method: clinical testing. Allele origin: germline.
Comment: This sequence change replaces threonine, which is neutral and polar, with methionine, which is neutral and non-polar, at codon 137 of the NPC1 protein (p.Thr137Met). This variant is present in population databases (rs372947142, gnomAD 0.003%). This missense change has been observed in individual(s) with Niemann-Pick Type C (PMID: 11349231, 26666848, 27139891, 27378690). ClinVar contains an entry for this variant (Variation ID: 449504). Invitae Evidence Modeling of protein sequence and biophysical properties (such as structural, functional, and spatial information, amino acid conservation, physicochemical variation, residue mobility, and thermodynamic stability) has been performed for this missense variant. However, the output from this modeling did not meet the statistical confidence thresholds required to predict the impact of this variant on NPC1 protein function. Experimental studies are conflicting or provide insufficient evidence to determine the effect of this variant on NPC1 function (PMID: 17989072). For these reasons, this variant has been classified as Pathogenic.

Natera, Inc.
Classification: Likely pathogenic for Niemann-Pick disease type C1. Last evaluated: 2024-03-26. Review status: criteria provided, single submitter. Criteria: Natera Variant Classification Schema (03/2026). Collection method: clinical testing. Allele origin: germline.
Comment: The c.410C>T variant in NPC1 is a missense variant predicted to cause substitution of threonine to methionine at amino acid 137. This variant is rare in the general population with a frequency below the threshold expected for the associated phenotype(s). This variant has been observed in one or more individuals affected with the associated recessive disease, as either homozygous or compound heterozygous with a second variant (PMID: 16098014, 26666848, 11349231). Given the available evidence, this variant is classified as Likely Pathogenic.

Women's Health and Genetics/Laboratory Corporation of America, LabCorp
Classification: Pathogenic for Niemann-Pick disease, type C. Last evaluated: 2023-03-18. Review status: criteria provided, single submitter. Criteria: LabCorp Variant Classification Summary - May 2015. Collection method: clinical testing. Allele origin: germline.
Comment: Variant summary: NPC1 c.410C>T (p.Thr137Met) results in a non-conservative amino acid change located in the Niemann-Pick C1, N-terminal domain (IPR032190) of the encoded protein sequence. Three of five in-silico tools predict a benign effect of the variant on protein function. The variant allele was found at a frequency of 8e-06 in 251402 control chromosomes. c.410C>T has been reported in the literature in multiple individuals affected with Niemann-Pick Disease Type C (example, PMID: 27378690, 29429782, 23453666). These data indicate that the variant is very likely to be associated with disease. To our knowledge, no experimental evidence demonstrating an impact on protein function has been reported although one study reported normal binding to both 25-Hydroxycholesterol and Cholesterol (PMID: 17989072). Four clinical diagnostic laboratories have submitted clinical-significance assessments for this variant to ClinVar after 2014 without evidence for independent evaluation. Multiple laboratories reported the variant with conflicting assessments. Based on the evidence outlined above, the variant was classified as pathogenic.

Myriad Genetics, Inc.
Classification: Likely pathogenic for Niemann-Pick disease, type C1. Last evaluated: 2021-11-03. Review status: criteria provided, single submitter. Criteria: Myriad Women's Health Autosomal Recessive and X-Linked Classification Criteria (2021). Collection method: clinical testing. Allele origin: unknown.
Comment: NM_000271.4(NPC1):c.410C>T(T137M) is a missense variant classified as likely pathogenic in the context of Niemann-Pick disease type C1. T137M has been observed in cases with relevant disease (PMID: 11349231, 23453666, 16098014, 19744920, 27139891, 26666848). Functional assessments of this variant are available in the literature (PMID: 17989072). T137M has been observed in population frequency databases (gnomAD: AMR 0.003%). In summary, NM_000271.4(NPC1):c.410C>T(T137M) is a missense variant that has been observed more frequently in cases with the relevant disease than in healthy populations. Please note: this variant was assessed in the context of healthy population screening.

GeneDx
Classification: Uncertain significance. Last evaluated: 2017-07-10. Review status: criteria provided, single submitter. Criteria: GeneDx Variant Classification (06012015). Collection method: clinical testing. Allele origin: germline. Affected: yes.
Comment: The T137M variant in the NPC1 gene has been reported previously in association with Niemann-Pick disease type C, when present in the homozygous state or when seen with another variant, however, some patients have been reported to have normal biochemical studies (Sun et al., 2001; Fernandez-Valero et al., 2005; Garver et al., 2010; Akizu et al., 2013). Additionally, functional studies showed T137M exhibits normal binding to both 25-hydroxycholesterol and cholesterol (Infante et al., 2008). The T137M variant is not observed at a significant frequency in large population cohorts (Lek et al., 2016; 1000 Genomes Consortium et al., 2015; Exome Variant Server). The T137M variant is a non-conservative amino acid substitution, which is likely to impact secondary protein structure as these residues differ in polarity, charge, size and/or other properties. This substitution occurs at a position where amino acids with similar properties to Threonine are tolerated across species. In silico analysis is inconsistent in its predictions as to whether or not the variant is damaging to the protein structure/function. We interpret T137M as a variant of uncertain significance.

Literature cited by the submitters: PubMed 11349231 (cited by 3 submitters); PubMed 26666848 (cited by 3 submitters); PubMed 27139891 (cited by Labcorp Genetics (formerly Invitae), Labcorp and Myriad Genetics, Inc.); PubMed 27378690 (cited by Labcorp Genetics (formerly Invitae), Labcorp and Women's Health and Genetics/Laboratory Corporation of America, LabCorp); PubMed 17989072 (cited by 3 submitters); PubMed 16098014 (cited by Natera, Inc. and Myriad Genetics, Inc.); PubMed 23453666 (cited by Women's Health and Genetics/Laboratory Corporation of America, LabCorp and Myriad Genetics, Inc.); PubMed 29429782 (cited by Women's Health and Genetics/Laboratory Corporation of America, LabCorp); PubMed 19744920 (cited by Myriad Genetics, Inc.).